The following is an entry in ClinVar:

ClinVar aggregate classification (germline): Uncertain significance (1 of 4 stars; one submission).

Allele frequency attached by ClinVar (database versions not stated): TOPMed below 0.00001.

Submission:

Women's Health and Genetics/Laboratory Corporation of America, LabCorp
Classification: Uncertain significance. Last evaluated: 2019-10-10. Review status: criteria provided, single submitter. Criteria: LabCorp Variant Classification Summary - May 2015. Collection method: clinical testing. Allele origin: germline.
Comment: Variant summary: CACNA1C c.6123G>C (p.Leu2041Phe) results in a non-conservative amino acid change in the encoded protein sequence. Five of five in-silico tools predict a damaging effect of the variant on protein function. The variant was absent in 196534 control chromosomes. The available data on variant occurrences in the general population are insufficient to allow any conclusion about variant significance. To our knowledge, no occurrence of c.6123G>C in individuals affected with Arrhythmia and no experimental evidence demonstrating its impact on protein function have been reported. No clinical diagnostic laboratories have submitted clinical-significance assessments for this variant to ClinVar after 2014. Based on the evidence outlined above, the variant was classified as uncertain significance.

NM_000719.7(CACNA1C):c.6123G>C (p.Leu2041Phe)

Genes: CACNA1C (calcium voltage-gated channel subunit alpha1 C; plus strand), CACNA1C-AS1 (CACNA1C antisense RNA 1; minus strand). Cytogenetic location: 12p13.33.
Variant type: single nucleotide variant.
Coding change: c.6123G>C on transcript NM_000719.7 (MANE Select); coding-DNA position 6123, G replaced by C.
Protein change: p.Leu2041Phe; replaces leucine 2041 with phenylalanine.
Molecular consequence: missense variant. On other transcripts: non-coding transcript variant (1).
Genome position (GRCh38, 1-based): chr12:2,690,905, G>C. VCF-style: chr12-2690905-G-C. GRCh37 (hg19) VCF-style: chr12-2800071-G-C.
Other names: c.6267G>C, p.Leu2089Phe (NM_001129827.2); c.6246G>C, p.Leu2082Phe (NM_001129829.2); c.6228G>C, p.Leu2076Phe (NM_001129830.3, NM_001167624.3); c.6207G>C, p.Leu2069Phe (NM_001129831.2); c.6183G>C, p.Leu2061Phe (NM_001129832.2); c.6180G>C, p.Leu2060Phe (NM_001129833.2, NM_001129834.2, NM_001129835.2); c.6174G>C, p.Leu2058Phe (NM_001129836.2); c.6147G>C, p.Leu2049Phe (NM_001129837.2, NM_001129838.2); and 6 more; short protein forms L2030F, L2038F, L2041F, L2047F, L2049F, L2058F, L2060F, L2061F.
Identifiers: ClinVar variation 928558 (VCV000928558.1), dbSNP rs998497258, ClinGen allele CA231619616.
Genomic context (GRCh38, chr12:2,690,905, plus strand): 5'-GGCTCCAGGAGTAATGTTCCTTTGGTTCTTCATGGCTCCCACCCCGCTCCTTCAGGTCTT[G>C]ATTTCAGAAGGACTGGGGCAGTTTGCTCAAGATCCCAAGTTCATCGAGGTCACCACCCAG-3'
Protein context (NP_000710.5, residues 2031-2051): GSASSLVEAV[Leu2041Phe]ISEGLGQFAQ